The following is an entry in ClinVar:

ClinVar aggregate classification (germline): Benign. Review status: criteria provided, multiple submitters, no conflicts (2 of 4 stars). 3 submissions from 3 submitters: Benign (2). 1 of the submissions does not count toward it. Last evaluated 2026-02-02.

Conditions:
EXPH5-related disorder. Also called: EXPH5-related condition.

Allele frequency attached by ClinVar (database versions not stated): gnomAD exomes 0.00199; ExAC 0.00257; 1000 Genomes Project 0.00599; 1000 Genomes Project 30x 0.00703; gnomAD 0.00858 and 0.00934; TOPMed 0.00962; ESP Exome Variant Server 0.01031.

Submissions (3):

Labcorp Genetics (formerly Invitae), Labcorp
Classification: Benign. Last evaluated: 2026-02-02. Review status: criteria provided, single submitter. Criteria: Invitae Variant Classification Sherloc (09022015). Collection method: clinical testing. Allele origin: germline.

Breakthrough Genomics
Classification: Benign. Review status: criteria provided, single submitter. Criteria: ACMG Guidelines, 2015. Collection method: not provided. Allele origin: germline. Inheritance: Autosomal recessive inheritance. Affected: yes.

PreventionGenetics, part of Exact Sciences
Classification: Benign for EXPH5-related condition. Last evaluated: 2024-03-06. Review status: no assertion criteria provided. Collection method: clinical testing. Allele origin: germline. Not counted in ClinVar's aggregate classification.
Comment: This variant is classified as benign based on ACMG/AMP sequence variant interpretation guidelines (Richards et al. 2015 PMID: 25741868, with internal and published modifications).

NM_015065.3(EXPH5):c.5494C>G (p.Arg1832Gly)

Gene: EXPH5 (exophilin 5; minus strand). Cytogenetic location: 11q22.3.
Variant type: single nucleotide variant.
Coding change: c.5494C>G on transcript NM_015065.3 (MANE Select); coding-DNA position 5494, C replaced by G.
Protein change: p.Arg1832Gly; replaces arginine 1832 with glycine.
Molecular consequence: missense variant.
Genome position (GRCh38, 1-based): chr11:108,510,013, G>C on the plus strand (C>G on the coding strand, the complement: EXPH5 is on the minus strand). VCF-style: chr11-108510013-G-C. GRCh37 (hg19) VCF-style: chr11-108380740-G-C.
Other names: c.5266C>G, p.Arg1756Gly (NM_001144763.2); c.5026C>G, p.Arg1676Gly (NM_001144764.2); c.4930C>G, p.Arg1644Gly (NM_001144765.2); c.5473C>G, p.Arg1825Gly (NM_001308019.2); short protein forms R1676G, R1825G, R1644G, R1756G, R1832G.
Identifiers: ClinVar variation 777652 (VCV000777652.9), dbSNP rs36005552, ClinGen allele CA6267317.
Genomic context (GRCh38, chr11:108,510,013, plus strand): 5'-AAGATCTGAATCTTCGACTGTACCCATTGTTGACAGAGAATTCATTCCCAAGGGTCAGTC[G>C]ACTCAGGGCATTGTCAATAGAAGTGCTTTCAGAAAAATGGCGCTCCCTGACTTTTGGAGG-3'
Protein context (NP_055880.2, residues 1822-1842): ESTSIDNALS[Arg1832Gly]LTLGNEFSVN